The following is an entry in ClinVar:

ClinVar aggregate classification (germline): Pathogenic (1 of 4 stars; one submission).

Conditions:
Arterial tortuosity syndrome (ATORS). Identifiers: Orphanet 3342, MedGen C1859726, MONDO:0008818, OMIM 208050.

Allele frequency attached by ClinVar (database versions not stated): gnomAD exomes below 0.00001.
gnomAD v4.1: 1 of 1,613,788 alleles (0.000062%); highest among the groups gnomAD compares: Non-Finnish European, 0.000085%; no homozygotes.

Submission:

Labcorp Genetics (formerly Invitae), Labcorp
Classification: Pathogenic for Arterial tortuosity syndrome. Last evaluated: 2021-09-15. Review status: criteria provided, single submitter. Criteria: Invitae Variant Classification Sherloc (09022015). Collection method: clinical testing. Allele origin: germline.
Comment: For these reasons, this variant has been classified as Pathogenic. This variant has not been reported in the literature in individuals affected with SLC2A10-related conditions. This variant is not present in population databases (ExAC no frequency). This sequence change creates a premature translational stop signal (p.Leu475*) in the SLC2A10 gene. It is expected to result in an absent or disrupted protein product. Loss-of-function variants in SLC2A10 are known to be pathogenic (PMID: 17935213, 22488877, 23494979).

Literature cited by the submitters: PubMed 17935213; PubMed 22488877; PubMed 23494979.

NM_030777.4(SLC2A10):c.1424T>A (p.Leu475Ter)

Gene: SLC2A10 (solute carrier family 2 member 10; plus strand). Cytogenetic location: 20q13.12.
Variant type: single nucleotide variant.
Coding change: c.1424T>A on transcript NM_030777.4 (MANE Select); coding-DNA position 1424, T replaced by A.
Protein change: p.Leu475Ter; replaces leucine 475 with a stop codon.
Molecular consequence: nonsense.
Genome position (GRCh38, 1-based): chr20:46,729,365, T>A. VCF-style: chr20-46729365-T-A. GRCh37 (hg19) VCF-style: chr20-45358004-T-A.
Other names: short protein forms L475*.
Identifiers: ClinVar variation 1399156 (VCV001399156.6), dbSNP rs2123062030, ClinGen allele CA409273084.
Genomic context (GRCh38, chr20:46,729,365, plus strand): 5'-GCCAGAGTGCTTGGTCCTGGGCCTACACTCCCGCCCTCCTGTTTCCAGGCACCATCGGCT[T>A]GTCCTGGACCTTCCTGCTCTACGGACTGACCGCTGTCCTCGGCCTGGGCTTCATCTATTT-3'